The following is an entry in ClinVar:

NM_001903.5(CTNNA1):c.1389+4A>T

Gene: CTNNA1 (catenin alpha 1; plus strand). Cytogenetic location: 5q31.2.
Variant type: single nucleotide variant.
Coding change: c.1389+4A>T on transcript NM_001903.5 (MANE Select); 4 bases into the intron after coding-DNA position 1389, A replaced by T.
Molecular consequence: intron variant.
Genome position (GRCh38, 1-based): chr5:138,904,445, A>T. VCF-style: chr5-138904445-A-T. GRCh37 (hg19) VCF-style: chr5-138240134-A-T.
Other names: c.1080+4A>T (NM_001290309.3); c.1389+4A>T (NM_001323983.1, NM_001323982.2, NM_001323984.2 and 2 more transcripts); c.279+4A>T (NM_001323996.1, NM_001323993.1, NM_001324005.1 and 17 more transcripts); c.-119+4A>T (NM_001324007.1, NM_001324009.1, NM_001324006.1 and 1 more transcripts); c.36+4A>T (NM_001324013.1, NM_001324012.1); c.187-13297A>T (NM_001324011.1); c.-60-13297A>T (NM_001324010.1); c.1297-13297A>T (NM_001323986.2); and 1 more.
Identifiers: ClinVar variation 4843869 (VCV004843869.1).

ClinVar aggregate classification (germline): Uncertain significance (1 of 4 stars; one submission).

Conditions:
Hereditary cancer-predisposing syndrome. Also called: Neoplastic Syndromes, Hereditary; Tumor predisposition; Hereditary Cancer Syndrome; Hereditary neoplastic syndrome. Identifiers: Orphanet 140162, MedGen C0027672, MeSH D009386, MONDO:0015356.

Submission:

Ambry Genetics
Classification: Uncertain significance for Hereditary cancer-predisposing syndrome. Last evaluated: 2026-02-03. Review status: criteria provided, single submitter. Criteria: Ambry Variant Classification Scheme 2023. Collection method: clinical testing. Allele origin: germline.
Comment: The c.1389+4A>T intronic variant results from an A to T substitution 4 nucleotides after coding exon 9 in the CTNNA1 gene. This nucleotide position is well conserved in available vertebrate species. In silico splice site analysis predicts that this alteration will not have any significant effect on splicing. Based on the available evidence, the clinical significance of this variant remains unclear.